The following is an entry in ClinVar:

NM_014915.3(ANKRD26):c.2698-3T>C

Gene: ANKRD26 (ankyrin repeat domain 26; minus strand). Cytogenetic location: 10p12.1.
Variant type: single nucleotide variant.
Coding change: c.2698-3T>C on transcript NM_014915.3 (MANE Select); 3 bases into the intron before coding-DNA position 2698, T replaced by C.
Molecular consequence: intron variant.
Genome position (GRCh38, 1-based): chr10:27,035,755, A>G on the plus strand (T>C on the coding strand, the complement: ANKRD26 is on the minus strand). VCF-style: chr10-27035755-A-G. GRCh37 (hg19) VCF-style: chr10-27324684-A-G.
Other names: c.2695-3T>C (NM_001256053.2).
Identifiers: ClinVar variation 3016944 (VCV003016944.3), dbSNP rs1239473323, ClinGen allele CA592780276.

ClinVar aggregate classification (germline): Uncertain significance (1 of 4 stars; one submission).

Allele frequency attached by ClinVar (database versions not stated): gnomAD exomes below 0.00001; TOPMed below 0.00001.
gnomAD v4.1: 1 of 1,593,564 alleles (0.000063%); highest among the groups gnomAD compares: Non-Finnish European, 0.000086%; no homozygotes.

Submission:

Labcorp Genetics (formerly Invitae), Labcorp
Classification: Uncertain significance. Last evaluated: 2024-12-31. Review status: criteria provided, single submitter. Criteria: Invitae Variant Classification Sherloc (09022015). Collection method: clinical testing. Allele origin: germline.
Comment: This sequence change falls in intron 23 of the ANKRD26 gene. It does not directly change the encoded amino acid sequence of the ANKRD26 protein. It affects a nucleotide within the consensus splice site. This variant is not present in population databases (gnomAD no frequency). This variant has not been reported in the literature in individuals affected with ANKRD26-related conditions. ClinVar contains an entry for this variant (Variation ID: 3016944). Variants that disrupt the consensus splice site are a relatively common cause of aberrant splicing (PMID: 17576681, 9536098). Algorithms developed to predict the effect of sequence changes on RNA splicing suggest that this variant is not likely to affect RNA splicing. In summary, the available evidence is currently insufficient to determine the role of this variant in disease. Therefore, it has been classified as a Variant of Uncertain Significance.

Literature cited by the submitters: PubMed 17576681; PubMed 9536098.